The following is an entry in ClinVar:

NM_001008537.3(NEXMIF):c.466G>A (p.Ala156Thr)

Gene: NEXMIF (neurite extension and migration factor; minus strand). Cytogenetic location: Xq13.3.
Variant type: single nucleotide variant.
Coding change: c.466G>A on transcript NM_001008537.3 (MANE Select); coding-DNA position 466, G replaced by A.
Protein change: p.Ala156Thr; replaces alanine 156 with threonine.
Molecular consequence: missense variant.
Genome position (GRCh38, 1-based): chrX:74,744,091, C>T on the plus strand (G>A on the coding strand, the complement: NEXMIF is on the minus strand). VCF-style: chrX-74744091-C-T. GRCh37 (hg19) VCF-style: chrX-73963926-C-T.
Other names: short protein forms A156T.
Identifiers: ClinVar variation 1030949 (VCV001030949.7), dbSNP rs2080117655, ClinGen allele CA413673263.

ClinVar aggregate classification (germline): Uncertain significance. Review status: criteria provided, multiple submitters, no conflicts (2 of 4 stars). 2 submissions from 2 submitters: Uncertain significance (2). Last evaluated 2021-09-03.

Conditions:
X-linked intellectual disability, Cantagrel type (XLID98). Also called: INTELLECTUAL DEVELOPMENTAL DISORDER, X-LINKED 98. Identifiers: Orphanet 85277, MedGen C3806730, MONDO:0010483, OMIM 300912.

Allele frequency attached by ClinVar (database versions not stated): gnomAD exomes below 0.00001.

Submissions (2):

Labcorp Genetics (formerly Invitae), Labcorp
Classification: Uncertain significance. Last evaluated: 2021-09-03. Review status: criteria provided, single submitter. Criteria: Invitae Variant Classification Sherloc (09022015). Collection method: clinical testing. Allele origin: germline.
Comment: ClinVar contains an entry for this variant (Variation ID: 1030949). This variant has not been reported in the literature in individuals affected with NEXMIF-related conditions. This variant is not present in population databases (ExAC no frequency). This sequence change replaces alanine with threonine at codon 156 of the NEXMIF protein (p.Ala156Thr). The alanine residue is moderately conserved and there is a small physicochemical difference between alanine and threonine. In summary, the available evidence is currently insufficient to determine the role of this variant in disease. Therefore, it has been classified as a Variant of Uncertain Significance. Algorithms developed to predict the effect of missense changes on protein structure and function output the following: SIFT: "Deleterious"; PolyPhen-2: "Benign"; Align-GVGD: "Class C0". The threonine amino acid residue is found in multiple mammalian species, which suggests that this missense change does not adversely affect protein function.

Baylor Genetics
Classification: Uncertain significance for X-linked intellectual disability, Cantagrel type. Last evaluated: 2019-08-16. Review status: criteria provided, single submitter. Criteria: ACMG Guidelines, 2015. Collection method: clinical testing. Allele origin: unknown. Affected: yes.
Comment: This variant was determined to be of uncertain significance according to ACMG Guidelines, 2015 [PMID:25741868].